The following is an entry in ClinVar:

NM_000092.5(COL4A4):c.880G>A (p.Gly294Ser)

Gene: COL4A4 (collagen type IV alpha 4 chain; minus strand). Cytogenetic location: 2q36.3.
Variant type: single nucleotide variant.
Coding change: c.880G>A on transcript NM_000092.5 (MANE Select); coding-DNA position 880, G replaced by A.
Protein change: p.Gly294Ser; replaces glycine 294 with serine.
Molecular consequence: missense variant.
Genome position (GRCh38, 1-based): chr2:227,102,839, C>T on the plus strand (G>A on the coding strand, the complement: COL4A4 is on the minus strand). VCF-style: chr2-227102839-C-T. GRCh37 (hg19) VCF-style: chr2-227967555-C-T.
Other names: short protein forms G294S.
Identifiers: ClinVar variation 3233853 (VCV003233853.4), dbSNP rs2475583308, ClinGen allele CA350857294.
Genomic context (GRCh38, chr2:227,102,839, plus strand): 5'-TGATGCTTACCCGAGGCCCTGGAAATCCAGGAATACCTTTTTCTCCTTTTGCCCCAATAC[C>T]AGATTCTCCCTTTAAGAGATGACAACATTTAGAGGGGTTCAAGCAACAATATTTCAGCAA-3'
Protein context (NP_000083.3, residues 284-304): PGPPGRKGES[Gly294Ser]IGAKGEKGIP

ClinVar aggregate classification (germline): Uncertain significance (1 of 4 stars; one submission).

Submission:

Women's Health and Genetics/Laboratory Corporation of America, LabCorp
Classification: Uncertain significance. Last evaluated: 2025-04-15. Review status: criteria provided, single submitter. Criteria: LabCorp Variant Classification Summary - May 2015. Collection method: clinical testing. Allele origin: germline.
Comment: Variant summary: COL4A4 c.880G>A (p.Gly294Ser) results in a non-conservative amino acid change in the encoded protein sequence. Four of five in-silico tools predict a damaging effect of the variant on protein function. The variant was absent in 249424 control chromosomes. The available data on variant occurrences in the general population are insufficient to allow any conclusion about variant significance. To our knowledge, no occurrence of c.880G>A in individuals affected with Alport Syndrome, Autosomal Recessive and no experimental evidence demonstrating its impact on protein function have been reported. ClinVar contains an entry for this variant (Variation ID: 3233853). Based on the evidence outlined above, the variant was classified as uncertain significance.